The following is an entry in ClinVar:

NM_005120.3(MED12):c.6408+4G>T

Gene: MED12 (mediator complex subunit 12; plus strand). Cytogenetic location: Xq13.1.
Variant type: single nucleotide variant.
Coding change: c.6408+4G>T on transcript NM_005120.3 (MANE Select); 4 bases into the intron after coding-DNA position 6408, G replaced by T.
Molecular consequence: intron variant.
Genome position (GRCh38, 1-based): chrX:71,141,374, G>T. VCF-style: chrX-71141374-G-T. GRCh37 (hg19) VCF-style: chrX-70361224-G-T.
Identifiers: ClinVar variation 4882439 (VCV004882439.2).

ClinVar aggregate classification (germline): Uncertain significance (1 of 4 stars; one submission).

Submission:

Dasa
Classification: Uncertain significance. Last evaluated: 2024-11-07. Review status: criteria provided, single submitter. Criteria: DASA Assertion Criteria. Collection method: clinical testing. Allele origin: germline.
Comment: NM_005120.3(MED12):c.6408+4G>T is a splice-region variant. This variant is rare in population databases. Computational prediction algorithms are consistent with a benign effect. The currently available literature and clinical evidence are not sufficient to establish a definitive association between this variant and the reported condition. Therefore, this variant is classified as a variant of uncertain significance.